The following is an entry in ClinVar:

NM_007294.4(BRCA1):c.5467+16G>T

Gene: BRCA1 (BRCA1 DNA repair associated; minus strand). Cytogenetic location: 17q21.31.
Variant type: single nucleotide variant.
Coding change: c.5467+16G>T on transcript NM_007294.4 (MANE Select); 16 bases into the intron after coding-DNA position 5467, G replaced by T.
Molecular consequence: intron variant.
Genome position (GRCh38, 1-based): chr17:43,047,627, C>A on the plus strand (G>T on the coding strand, the complement: BRCA1 is on the minus strand). VCF-style: chr17-43047627-C-A. GRCh37 (hg19) VCF-style: chr17-41199644-C-A.
Other names: c.2014+16G>T (NM_001408458.1, NM_001408461.1, NM_001408464.1 and 7 more transcripts); c.4576+16G>T (NM_001407967.1); c.5086+16G>T (NM_001407959.1); c.5200+16G>T (NM_001407931.1, NM_001407932.1, NM_001407928.1 and 4 more transcripts); c.5323+16G>T (NM_001407747.1, NM_001407745.1, NM_001407737.1 and 18 more transcripts); c.5083+16G>T (NM_001407962.1, NM_001407960.1); c.1654+16G>T (NM_001408512.1); c.1777+16G>T (NM_001408510.1); and 83 more.
Identifiers: ClinVar variation 867549 (VCV000867549.3), dbSNP rs2050972271, ClinGen allele CA916080745.

Conditions:
Breast-ovarian cancer, familial, susceptibility to, 1 (BROVCA1). Also called: BRCA1 Hereditary Breast and Ovarian Cancer; OVARIAN CANCER, SUSCEPTIBILITY TO. Identifiers: Orphanet 145, MedGen C2676676, MONDO:0011450, OMIM 604370. Disease mechanism: loss of function.

Submission:

Brotman Baty Institute, University of Washington
No classification provided (evidence only). Condition: Breast-ovarian cancer, familial 1. Review status: no classification provided. Collection method: in vitro. Allele origin: not applicable. Functional consequence: functionally_normal.
ClinVar note: "not provided" was previously submitted as the classification for the variant. However, the classification appeared to be based only on an observation of functional data so it was converted to no classification on 2025-07-30.